The following is an entry in ClinVar:

NM_003036.4(SKI):c.2144C>T (p.Pro715Leu)

Gene: SKI (SKI proto-oncogene; plus strand). Cytogenetic location: 1p36.32.
Variant type: single nucleotide variant.
Coding change: c.2144C>T on transcript NM_003036.4 (MANE Select); coding-DNA position 2144, C replaced by T.
Protein change: p.Pro715Leu; replaces proline 715 with leucine.
Molecular consequence: missense variant.
Genome position (GRCh38, 1-based): chr1:2,306,722, C>T. VCF-style: chr1-2306722-C-T. GRCh37 (hg19) VCF-style: chr1-2238161-C-T.
Other names: short protein forms P715L.
Identifiers: ClinVar variation 856328 (VCV000856328.9), dbSNP rs1640595714, ClinGen allele CA337959837.
Genomic context (GRCh38, chr1:2,306,722, plus strand): 5'-GGGAGCACCTGGAGAAGGTGGTGAAGGAGCTGCAGGAACAGCTGTGGCCGCGGGCCCGCC[C>T]CGAGGCTGCGGGCAGCGAGGGCGCTGCGGAGCTGGAGCCGTAGATTCCGTGCCTGCCGCC-3'
Protein context (NP_003027.1, residues 705-725): LQEQLWPRAR[Pro715Leu]EAAGSEGAAE

ClinVar aggregate classification (germline): Uncertain significance (1 of 4 stars; one submission).

Conditions:
Shprintzen-Goldberg syndrome (SGS). Also called: Marfanoid disorder with craniosynostosis type 1; Marfanoid craniosynostosis syndrome; Shprintzen-Goldberg marfanoid syndrome; SHPRINTZEN-GOLDBERG CRANIOSYNOSTOSIS SYNDROME; CRANIOSYNOSTOSIS WITH ARACHNODACTYLY AND ABDOMINAL HERNIAS. Identifiers: Orphanet 2462, MedGen C1321551, MONDO:0008426, OMIM 182212.

Submission:

Labcorp Genetics (formerly Invitae), Labcorp
Classification: Uncertain significance for Shprintzen-Goldberg syndrome. Last evaluated: 2019-05-16. Review status: criteria provided, single submitter. Criteria: Invitae Variant Classification Sherloc (09022015). Collection method: clinical testing. Allele origin: germline.
Comment: In summary, the available evidence is currently insufficient to determine the role of this variant in disease. Therefore, it has been classified as a Variant of Uncertain Significance. This variant has not been reported in the literature in individuals with SKI-related conditions. The frequency data for this variant in the population databases is considered unreliable, as metrics indicate insufficient coverage at this position in the ExAC database. This sequence change replaces proline with leucine at codon 715 of the SKI protein (p.Pro715Leu). The proline residue is weakly conserved and there is a moderate physicochemical difference between proline and leucine.